The following is an entry in ClinVar:

NM_022765.4(MICAL1):c.445A>C (p.Thr149Pro)

Gene: MICAL1 (microtubule associated monooxygenase, calponin and LIM domain containing 1; minus strand). Cytogenetic location: 6q21.
Variant type: single nucleotide variant.
Coding change: c.445A>C on transcript NM_022765.4 (MANE Select); coding-DNA position 445, A replaced by C.
Protein change: p.Thr149Pro; replaces threonine 149 with proline.
Molecular consequence: missense variant.
Genome position (GRCh38, 1-based): chr6:109,453,659, T>G on the plus strand (A>C on the coding strand, the complement: MICAL1 is on the minus strand). VCF-style: chr6-109453659-T-G. GRCh37 (hg19) VCF-style: chr6-109774862-T-G.
Other names: c.445A>C, p.Thr149Pro (NM_001159291.2); c.502A>C, p.Thr168Pro (NM_001286613.2); short protein forms T149P, T168P.
Identifiers: ClinVar variation 4771146 (VCV004771146.1).

ClinVar aggregate classification (germline): Uncertain significance (1 of 4 stars; one submission).

gnomAD v4.1: 1 of 1,609,462 alleles (0.000062%); highest among the groups gnomAD compares: Non-Finnish European, 0.000085%; no homozygotes.

Submission:

Labcorp Genetics (formerly Invitae), Labcorp
Classification: Uncertain significance. Last evaluated: 2025-08-20. Review status: criteria provided, single submitter. Criteria: Invitae Variant Classification Sherloc (09022015). Collection method: clinical testing. Allele origin: germline.
Comment: This sequence change replaces threonine, which is neutral and polar, with proline, which is neutral and non-polar, at codon 168 of the MICAL1 protein (p.Thr168Pro). This variant is present in population databases (rs376425371, gnomAD 0.002%). This variant has not been reported in the literature in individuals affected with MICAL1-related conditions. An algorithm developed to predict the effect of missense changes on protein structure and function (PolyPhen-2) suggests that this variant is likely to be disruptive. In summary, the available evidence is currently insufficient to determine the role of this variant in disease. Therefore, it has been classified as a Variant of Uncertain Significance.